The following is an entry in ClinVar:

NM_018341.3(ERMARD):c.1234-260A>G

Gene: ERMARD (ER membrane associated RNA degradation; plus strand). Cytogenetic location: 6q27.
Variant type: single nucleotide variant.
Coding change: c.1234-260A>G on transcript NM_018341.3 (MANE Select); 260 bases into the intron before coding-DNA position 1234, A replaced by G.
Molecular consequence: intron variant.
Genome position (GRCh38, 1-based): chr6:169,773,059, A>G. VCF-style: chr6-169773059-A-G. GRCh37 (hg19) VCF-style: chr6-170173155-A-G.
Other names: c.1234-260A>G (NM_001278531.2, NM_001278533.2); c.856-260A>G (NM_001278532.2).
Identifiers: ClinVar variation 668133 (VCV000668133.1), dbSNP rs4145078, ClinGen allele CA152147864.
Genomic context (GRCh38, chr6:169,773,059, plus strand): 5'-GTTTAAGTAACTATTTCCTAGTTACATTTCCAATTGTTTGGAATCTTTTTTTTCTTATTC[A>G]TCTCCAGTTTTGTGCACAGAGGGTGGGTGTGGCATTTGTGATCTATTATTGTTAATGGCC-3'

ClinVar aggregate classification (germline): Benign (1 of 4 stars; one submission).

Allele frequency attached by ClinVar (database versions not stated): gnomAD 0.28311; TOPMed 0.29833; 1000 Genomes Project 0.32847; 1000 Genomes Project 30x 0.33073.
gnomAD v4.1: 96,304 of 377,848 alleles (25%); highest among the groups gnomAD compares: African/African-American, 42%; 13,598 homozygotes.

Submission:

GeneDx
Classification: Benign. Last evaluated: 2018-06-19. Review status: criteria provided, single submitter. Criteria: GeneDx Variant Classification (06012015). Collection method: clinical testing. Allele origin: germline. Affected: yes.
Comment: This variant is considered likely benign or benign based on one or more of the following criteria: it is a conservative change, it occurs at a poorly conserved position in the protein, it is predicted to be benign by multiple in silico algorithms, and/or has population frequency not consistent with disease.